The following is an entry in ClinVar:

NM_001621.5(AHR):c.1988A>G (p.Asn663Ser)

Gene: AHR (aryl hydrocarbon receptor; plus strand). Cytogenetic location: 7p21.1.
Variant type: single nucleotide variant.
Coding change: c.1988A>G on transcript NM_001621.5 (MANE Select); coding-DNA position 1988, A replaced by G.
Protein change: p.Asn663Ser; replaces asparagine 663 with serine.
Molecular consequence: missense variant.
Genome position (GRCh38, 1-based): chr7:17,339,813, A>G. VCF-style: chr7-17339813-A-G. GRCh37 (hg19) VCF-style: chr7-17379437-A-G.
Other names: short protein forms N663S.
Identifiers: ClinVar variation 967718 (VCV000967718.7), dbSNP rs114489761, ClinGen allele CA4172215.
Genomic context (GRCh38, chr7:17,339,813, plus strand): 5'-AGCACATGCAAGTTAATGGCATGTTTGAAAATTGGAACTCTAACCAATTCGTGCCTTTCA[A>G]TTGTCCACAGCAAGACCCACAACAATATAATGTCTTTACAGACTTACATGGGATCAGTCA-3'
Protein context (NP_001612.1, residues 653-673): NWNSNQFVPF[Asn663Ser]CPQQDPQQYN

ClinVar aggregate classification (germline): Uncertain significance (1 of 4 stars; one submission).

Allele frequency attached by ClinVar (database versions not stated): 1000 Genomes Project 0.00020; 1000 Genomes Project 30x 0.00031; ESP Exome Variant Server 0.00054; gnomAD 0.00056 and 0.00061; TOPMed 0.00060.
gnomAD v4.1: 223 of 1,614,204 alleles (0.014%); highest among the groups gnomAD compares: African/African-American, 0.2%; no homozygotes.

Submission:

Labcorp Genetics (formerly Invitae), Labcorp
Classification: Uncertain significance. Last evaluated: 2022-08-31. Review status: criteria provided, single submitter. Criteria: Invitae Variant Classification Sherloc (09022015). Collection method: clinical testing. Allele origin: germline.
Comment: This sequence change replaces asparagine, which is neutral and polar, with serine, which is neutral and polar, at codon 663 of the AHR protein (p.Asn663Ser). This variant is present in population databases (rs114489761, gnomAD 0.2%). This variant has not been reported in the literature in individuals affected with AHR-related conditions. ClinVar contains an entry for this variant (Variation ID: 967718). Algorithms developed to predict the effect of missense changes on protein structure and function output the following: SIFT: "Tolerated"; PolyPhen-2: "Benign"; Align-GVGD: "Class C0". The serine amino acid residue is found in multiple mammalian species, which suggests that this missense change does not adversely affect protein function. Algorithms developed to predict the effect of sequence changes on RNA splicing suggest that this variant may create or strengthen a splice site. In summary, the available evidence is currently insufficient to determine the role of this variant in disease. Therefore, it has been classified as a Variant of Uncertain Significance.